The following is an entry in ClinVar:

ClinVar aggregate classification (germline): Benign/Likely benign. Review status: criteria provided, multiple submitters, no conflicts (2 of 4 stars). 6 submissions from 5 submitters: Benign (3); Likely benign (1). 2 of the submissions do not count toward it. Last evaluated 2022-08-23.

Conditions:
Loeys-Dietz syndrome 4 (LDS4). Also called: ANEURYSM, AORTIC AND CEREBRAL, WITH ARTERIAL TORTUOSITY AND SKELETAL MANIFESTATIONS; TGFB2-Related Loeys-Dietz Syndrome. Identifiers: MedGen C3553762, MONDO:0013897, OMIM 614816.

Submissions (6):

GeneDx
Classification: Likely benign. Last evaluated: 2022-08-23. Review status: criteria provided, single submitter. Criteria: GeneDx Variant Classification Process June 2021. Collection method: clinical testing. Allele origin: germline. Affected: yes.
Comment: See Variant Classification Assertion Criteria.

Dubai Health Genomic Medicine Center, Dubai Health
Classification: Benign for Loeys-Dietz syndrome 4. Last evaluated: 2020-06-02. Review status: criteria provided, single submitter. Criteria: ACMG Guidelines, 2015. Collection method: clinical testing. Allele origin: germline. Affected: yes.

Women's Health and Genetics/Laboratory Corporation of America, LabCorp
Classification: Benign. Last evaluated: 2019-08-12. Review status: criteria provided, single submitter. Criteria: LabCorp Variant Classification Summary - May 2015. Collection method: clinical testing. Allele origin: germline.
Comment: Variant summary: TGFB2 c.933-6delT alters a non-conserved nucleotide located close to a canonical splice site and therefore could affect mRNA splicing, leading to a significantly altered protein sequence. 5/5 computational tools predict no significant impact on normal splicing. However, these predictions have yet to be confirmed by functional studies. The variant allele was found at a frequency of 0.44 in 136506 control chromosomes in the gnomAD database, including 198 homozygotes. The observed variant frequency is approximately 35553-folds over the estimated maximal expected allele frequency for a pathogenic variant in TGFB2 causing Aortopathy phenotype (1.3e-05), strongly suggesting that the variant is benign. Two ClinVar submissions (evaluation after 2014) cite the variant once as likely benign and once as benign. Based on the evidence outlined above, the variant was classified as benign.

Clinical Genetics DNA and cytogenetics Diagnostics Lab, Erasmus MC, Erasmus Medical Center
Classification: Benign for Loeys-Dietz syndrome 4. Last evaluated: 2015-09-21. Review status: criteria provided, single submitter. Criteria: ACGS Guidelines, 2013. Collection method: clinical testing. Allele origin: germline. Affected: yes. Study: VKGL Data-share Consensus.

Diagnostic Laboratory, Department of Genetics, University Medical Center Groningen
Classification: Benign for Loeys-Dietz syndrome 4. Review status: no assertion criteria provided. Collection method: clinical testing. Allele origin: germline. Affected: yes. Study: VKGL Data-share Consensus. Not counted in ClinVar's aggregate classification.

GeneDx
Classification: Benign. Last evaluated: 2019-09-20. Review status: flagged submission. Criteria: GeneDx Variant Classification Process June 2021. Collection method: clinical testing. Allele origin: germline. Affected: yes. Not counted in ClinVar's aggregate classification.
ClinVar note: Reason: This record appears to be redundant with a more recent record from the same submitter.
ClinVar note: Notes: SCV001860546 appears to be redundant with SCV000565677.

NM_003238.6(TGFB2):c.933-6del

Gene: TGFB2 (transforming growth factor beta 2; plus strand). Cytogenetic location: 1q41.
Variant type: Deletion.
Coding change: c.933-6del on transcript NM_003238.6 (MANE Select); 6 bases into the intron before coding-DNA position 933, one base deleted (T; older notation c.933-6delT).
Molecular consequence: intron variant.
Genome position (GRCh38, 1-based): chr1:218,437,337, T deleted; the last of 17 consecutive T bases (chr1:218,437,321-218,437,337); deleting any one gives the same sequence. VCF-style (leftmost placement, unchanged base first): chr1-218437320-CT-C. GRCh37 (hg19) VCF-style: chr1-218610662-CT-C.
Other names: c.1017-6delT (NM_001135599.2); c.1017-6del (NM_001135599.4).
Identifiers: ClinVar variation 418555 (VCV000418555.9), dbSNP rs11285412, ClinGen allele CA1398640.